The following is an entry in ClinVar:

ClinVar aggregate classification (germline): Likely benign (1 of 4 stars; one submission).

Conditions:
Intellectual disability, X-linked 102 (MRXSSB). Also called: Intellectual developmental disorder, X-linked syndromic, Snijders Blok type. Identifiers: Orphanet 457260, MedGen C5393299, MONDO:0010497, OMIM 300958.

Submission:

Laboratory of Molecular Genetics, CHU Rennes
Classification: Likely benign for Intellectual disability, X-linked 102. Last evaluated: 2026-06-08. Review status: criteria provided, single submitter. Criteria: ACMG Guidelines, 2015. Collection method: clinical testing. Allele origin: maternal. Inheritance: X-linked inheritance. Affected: yes.
Comment: The NM_001356.5:c.1853C>T no alters splicing.

NM_001356.5(DDX3X):c.1853C>T (p.Ala618Val)

Gene: DDX3X (DEAD-box helicase 3 X-linked; plus strand). Cytogenetic location: Xp11.4.
Variant type: single nucleotide variant.
Coding change: c.1853C>T on transcript NM_001356.5 (MANE Select); coding-DNA position 1853, C replaced by T.
Protein change: p.Ala618Val; replaces alanine 618 with valine.
Molecular consequence: missense variant. On other transcripts: non-coding transcript variant (1).
Genome position (GRCh38, 1-based): chrX:41,347,395, C>T. VCF-style: chrX-41347395-C-T. GRCh37 (hg19) VCF-style: chrX-41206648-C-T.
Other names: c.1850C>T, p.Ala617Val (NM_001193416.3); c.1805C>T, p.Ala602Val (NM_001193417.3); c.1292C>T, p.Ala431Val (NM_001363819.1); short protein forms A431V, A602V, A617V, A618V.
Identifiers: ClinVar variation 4857591 (VCV004857591.1).